The following is an entry in ClinVar:

NM_001611.5(ACP5):c.598G>A (p.Val200Met)

Gene: ACP5 (acid phosphatase 5, tartrate resistant; minus strand). Cytogenetic location: 19p13.2.
Variant type: single nucleotide variant.
Coding change: c.598G>A on transcript NM_001611.5 (MANE Select); coding-DNA position 598, G replaced by A.
Protein change: p.Val200Met; replaces valine 200 with methionine.
Molecular consequence: missense variant.
Genome position (GRCh38, 1-based): chr19:11,576,380, C>T on the plus strand (G>A on the coding strand, the complement: ACP5 is on the minus strand). VCF-style: chr19-11576380-C-T. GRCh37 (hg19) VCF-style: chr19-11687195-C-T.
Other names: c.598G>A, p.Val200Met (NM_001111034.3, NM_001111035.3, NM_001111036.3 and 1 more transcripts); short protein forms V200M.
Identifiers: ClinVar variation 257479 (VCV000257479.23), dbSNP rs2229531, ClinGen allele CA9215376.

ClinVar aggregate classification (germline): Benign/Likely benign. Review status: criteria provided, multiple submitters, no conflicts (2 of 4 stars). 10 submissions from 10 submitters: Benign (8); Likely benign (2). Last evaluated 2026-02-04.

Conditions:
Spondyloenchondrodysplasia with immune dysregulation (SPENCDI). Also called: SPONDYLOENCHONDRODYSPLASIA WITH OR WITHOUT IMMUNE DYSREGULATION; ROIFMAN IMMUNOSKELETAL SYNDROME; COMBINED IMMUNODEFICIENCY WITH AUTOIMMUNITY AND SPONDYLOMETAPHYSEAL DYSPLASIA. Identifiers: Orphanet 1855, MedGen C1842763, MONDO:0011939, OMIM 607944.

Allele frequency attached by ClinVar (database versions not stated): 1000 Genomes Project 30x 0.06964; 1000 Genomes Project 0.07129; TOPMed 0.08122; ESP Exome Variant Server 0.08214; gnomAD 0.08684 and 0.08701; ExAC 0.09662; gnomAD exomes 0.09712.

Submissions (10):

Labcorp Genetics (formerly Invitae), Labcorp
Classification: Benign for Spondyloenchondrodysplasia with immune dysregulation. Last evaluated: 2026-02-04. Review status: criteria provided, single submitter. Criteria: Invitae Variant Classification Sherloc (09022015). Collection method: clinical testing. Allele origin: germline.

Women's Health and Genetics/Laboratory Corporation of America, LabCorp
Classification: Likely benign. Last evaluated: 2026-01-21. Review status: criteria provided, single submitter. Criteria: LabCorp Variant Classification Summary - May 2015. Collection method: clinical testing. Allele origin: germline.

Blueprint Genetics
Classification: Likely benign. Last evaluated: 2024-11-28. Review status: criteria provided, single submitter. Criteria: ACMG Guidelines, 2015. Collection method: clinical testing. Allele origin: germline.

Unidad de Genómica Garrahan, Hospital de Pediatría Garrahan
Classification: Benign. Last evaluated: 2024-01-24. Review status: criteria provided, single submitter. Criteria: ACMG Guidelines, 2015. Collection method: clinical testing. Allele origin: germline. Affected: no. Observed: 19 variant alleles.
Comment: This variant is classified as Benign based on local population frequency. This variant was detected in 22% of patients studied by a panel of primary immunodeficiencies. Number of patients: 19. Only high quality variants are reported.

Mayo Clinic Laboratories, Mayo Clinic
Classification: Benign. Last evaluated: 2022-09-06. Review status: criteria provided, single submitter. Criteria: ACMG Guidelines, 2015. Collection method: clinical testing. Allele origin: germline. Observed: 84 variant alleles.

Genome-Nilou Lab
Classification: Benign for Spondyloenchondrodysplasia with immune dysregulation. Last evaluated: 2021-07-14. Review status: criteria provided, single submitter. Criteria: ACMG Guidelines, 2015. Collection method: clinical testing. Allele origin: germline. Affected: no.

GeneDx
Classification: Benign. Last evaluated: 2018-11-10. Review status: criteria provided, single submitter. Criteria: GeneDx Variant Classification Process June 2021. Collection method: clinical testing. Allele origin: germline. Affected: yes.

Laboratory for Molecular Medicine, Mass General Brigham Personalized Medicine
Classification: Benign. Last evaluated: 2016-03-28. Review status: criteria provided, single submitter. Criteria: LMM Criteria. Collection method: clinical testing. Allele origin: germline.
Comment: Variant identified in a genome or exome case(s) and assessed due to predicted null impact of the variant or pathogenic assertions in the literature or databases. Disclaimer: This variant has not undergone full assessment. The following are preliminary notes: Frequency

Breakthrough Genomics
Classification: Benign. Review status: criteria provided, single submitter. Criteria: ACMG Guidelines, 2015. Collection method: not provided. Allele origin: germline. Inheritance: Autosomal recessive inheritance. Affected: yes.

PreventionGenetics, part of Exact Sciences
Classification: Benign. Review status: criteria provided, single submitter. Criteria: ACMG Guidelines, 2015. Collection method: clinical testing. Allele origin: germline.